The following is an entry in ClinVar:

NM_032119.4(ADGRV1):c.11201T>C (p.Val3734Ala)

Gene: ADGRV1 (adhesion G protein-coupled receptor V1; plus strand). Cytogenetic location: 5q14.3.
Variant type: single nucleotide variant.
Coding change: c.11201T>C on transcript NM_032119.4 (MANE Select); coding-DNA position 11201, T replaced by C.
Protein change: p.Val3734Ala; replaces valine 3734 with alanine.
Molecular consequence: missense variant. On other transcripts: non-coding transcript variant (1).
Genome position (GRCh38, 1-based): chr5:90,753,653, T>C. VCF-style: chr5-90753653-T-C. GRCh37 (hg19) VCF-style: chr5-90049470-T-C.
Other names: short protein forms V3734A.
Identifiers: ClinVar variation 163598 (VCV000163598.35), dbSNP rs113498662, ClinGen allele CA176218.

ClinVar aggregate classification (germline): Conflicting classifications of pathogenicity. Review status: criteria provided, conflicting classifications (1 of 4 stars). 9 submissions from 9 submitters: Uncertain significance (2); Benign (1); Likely benign (5). 1 of the submissions does not count toward it. Last evaluated 2026-01-16.

Conditions:
Usher syndrome type 2C. Also called: Usher syndrome, type 2B; USHER SYNDROME, TYPE IIC. Identifiers: Orphanet 231178, Orphanet 886, MedGen C2931213, MONDO:0011558, OMIM 605472.
ADGRV1-related disorder. Also called: ADGRV1-related condition; ADGRV1-related disorders.
Inborn genetic diseases. Identifiers: MedGen C0950123, MeSH D030342.

Allele frequency attached by ClinVar (database versions not stated): ExAC 0.00062; ESP Exome Variant Server 0.00134; 1000 Genomes Project 30x 0.00141; 1000 Genomes Project 0.00160; gnomAD 0.00172 and 0.00189; TOPMed 0.00204.
gnomAD v4.1: 517 of 1,613,456 alleles (0.032%); highest among the groups gnomAD compares: African/African-American, 0.6%; no homozygotes.

Submissions (9):

Labcorp Genetics (formerly Invitae), Labcorp
Classification: Likely benign. Last evaluated: 2026-01-16. Review status: criteria provided, single submitter. Criteria: Invitae Variant Classification Sherloc (09022015). Collection method: clinical testing. Allele origin: germline.

Blueprint Genetics
Classification: Likely benign. Last evaluated: 2024-08-28. Review status: criteria provided, single submitter. Criteria: ACMG Guidelines, 2015. Collection method: clinical testing. Allele origin: germline.

Ambry Genetics
Classification: Uncertain significance for Inborn genetic diseases. Last evaluated: 2021-08-10. Review status: criteria provided, single submitter. Criteria: Ambry Variant Classification Scheme 2023. Collection method: clinical testing. Allele origin: germline.

GeneDx
Classification: Benign. Last evaluated: 2019-04-23. Review status: criteria provided, single submitter. Criteria: GeneDx Variant Classification Process June 2021. Collection method: clinical testing. Allele origin: germline. Affected: yes.

Illumina Laboratory Services, Illumina
Classification: Uncertain significance for Usher syndrome type 2C. Last evaluated: 2018-01-13. Review status: criteria provided, single submitter. Criteria: ICSL Variant Classification Criteria 13 December 2019. Collection method: clinical testing. Allele origin: germline.

Eurofins Ntd Llc (ga)
Classification: Likely benign. Last evaluated: 2017-05-30. Review status: criteria provided, single submitter. Criteria: EGL Classification Definitions 2015. Collection method: clinical testing. Allele origin: germline. Observed: 2 variant alleles, 2 heterozygotes.

ARUP Laboratories, Molecular Genetics and Genomics, ARUP Laboratories
Classification: Likely benign. Last evaluated: 2016-04-27. Review status: criteria provided, single submitter. Criteria: ARUP Molecular Germline Variant Investigation Process. Collection method: clinical testing. Allele origin: germline.

Laboratory for Molecular Medicine, Mass General Brigham Personalized Medicine
Classification: Likely benign. Last evaluated: 2014-12-29. Review status: criteria provided, single submitter. Criteria: LMM Criteria. Collection method: clinical testing. Allele origin: germline. Observed: 2 variant alleles.
Comment: p.Val3734Ala in exon 54 of GPR98: This variant is not expected to have clinical significance because it has been identified in 0.7% (70/9964) of African chromos omes by the Exome Aggregation Consortium (ExAC; dbSNP rs113498662).

PreventionGenetics, part of Exact Sciences
Classification: Likely benign for ADGRV1-related condition. Last evaluated: 2019-06-03. Review status: no assertion criteria provided. Collection method: clinical testing. Allele origin: germline. Not counted in ClinVar's aggregate classification.
Comment: This variant is classified as likely benign based on ACMG/AMP sequence variant interpretation guidelines (Richards et al. 2015 PMID: 25741868, with internal and published modifications).